The following is an entry in ClinVar:

ClinVar aggregate classification (germline): Uncertain significance. Review status: criteria provided, multiple submitters, no conflicts (2 of 4 stars). 3 submissions from 3 submitters: Uncertain significance (3). Last evaluated 2025-07-03.

Conditions:
Cardiomyopathy (CMYO). Also called: Cardiomyopathies. Identifiers: Orphanet 167848, MedGen C0878544, MONDO:0004994, HP:0001638. Inheritance: Various modes of inheritance.
Catecholaminergic polymorphic ventricular tachycardia (CVPT). Also called: Catecholamine-induced polymorphic ventricular tachycardia. Identifiers: Orphanet 3286, MedGen C5574922, MONDO:0017990.

Allele frequency attached by ClinVar (database versions not stated): gnomAD exomes below 0.00001; ExAC 0.00001.
gnomAD v4.1: 4 of 1,613,644 alleles (0.00025%); highest among the groups gnomAD compares: South Asian, 0.0011%; no homozygotes.

Submissions (3):

GeneDx
Classification: Uncertain significance. Last evaluated: 2025-07-03. Review status: criteria provided, single submitter. Criteria: GeneDx Variant Classification Process June 2021. Collection method: clinical testing. Allele origin: germline. Affected: yes.
Comment: Not observed at significant frequency in large population cohorts (gnomAD); In silico analysis supports that this missense variant has a deleterious effect on protein structure/function; Has not been previously published as pathogenic or benign to our knowledge; Located in one of the three hot-spot regions of the RYR2 gene, where the majority of pathogenic missense variants occur (PMID: 19926015); This variant is associated with the following publications: (PMID: 19926015)

Color Diagnostics, LLC DBA Color Health
Classification: Uncertain significance for Cardiomyopathy. Last evaluated: 2024-03-07. Review status: criteria provided, single submitter. Criteria: ACMG Guidelines, 2015. Collection method: clinical testing. Allele origin: germline.
Comment: This variant is located in the RYR2 protein. Computational prediction suggests that this variant may not impact protein structure and function (internally defined REVEL score threshold <= 0.5, PMID: 27666373). To our knowledge, functional studies have not been reported for this variant. This variant has not been reported in individuals affected with cardiovascular disorders in the literature. This variant has been identified in 1/247816 chromosomes in the general population by the Genome Aggregation Database (gnomAD). The available evidence is insufficient to determine the role of this variant in disease conclusively. Therefore, this variant is classified as a Variant of Uncertain Significance.

All of Us Research Program, National Institutes of Health
Classification: Uncertain significance for Catecholaminergic polymorphic ventricular tachycardia. Last evaluated: 2023-12-01. Review status: criteria provided, single submitter. Criteria: ACMG Guidelines, 2015. Collection method: clinical testing. Allele origin: germline. Inheritance: Autosomal dominant inheritance. Observed: 2 variant alleles, 2 heterozygotes.
Comment: This variant is located in the RYR2 protein. Computational prediction suggests that this variant may not impact protein structure and function (internally defined REVEL score threshold <= 0.5, PMID: 27666373). To our knowledge, functional studies have not been reported for this variant. This variant has not been reported in individuals affected with cardiovascular disorders in the literature. This variant has been identified in 1/247816 chromosomes in the general population by the Genome Aggregation Database (gnomAD). The available evidence is insufficient to determine the role of this variant in disease conclusively. Therefore, this variant is classified as a Variant of Uncertain Significance.

This study involves interpretation of variants in research participants for the purpose of population health screening. Participant phenotype was not available at the time of variant classification. Additional details can be found in publication PMID: 35346344, PMCID: PMC8962531

NM_001035.3(RYR2):c.12176C>T (p.Thr4059Met)

Gene: RYR2 (ryanodine receptor 2; plus strand). Cytogenetic location: 1q43.
Variant type: single nucleotide variant.
Coding change: c.12176C>T on transcript NM_001035.3 (MANE Select); coding-DNA position 12176, C replaced by T.
Protein change: p.Thr4059Met; replaces threonine 4059 with methionine.
Molecular consequence: missense variant.
Genome position (GRCh38, 1-based): chr1:237,783,888, C>T. VCF-style: chr1-237783888-C-T. GRCh37 (hg19) VCF-style: chr1-237947188-C-T.
Other names: c.12176C>T (NM_001035.2); short protein forms T4059M.
Identifiers: ClinVar variation 2774390 (VCV002774390.4), dbSNP rs751296763, ClinGen allele CA085139.